The following is an entry in ClinVar:

ClinVar aggregate classification (germline): Pathogenic/Likely pathogenic. Review status: criteria provided, multiple submitters, no conflicts (2 of 4 stars). 6 submissions from 6 submitters: Pathogenic (4); Likely pathogenic (1). 1 of the submissions does not count toward it. Last evaluated 2025-08-12.

Conditions:
Familial cancer of breast. Also called: Hereditary breast cancer; hereditary breast carcinoma; BREAST CANCER, FAMILIAL. Identifiers: Orphanet 227535, MedGen C0346153, MONDO:0016419, OMIM 114480. Disease mechanism: loss of function.
Hereditary cancer-predisposing syndrome. Also called: Neoplastic Syndromes, Hereditary; Hereditary Cancer Syndrome; Tumor predisposition; Hereditary neoplastic syndrome. Identifiers: Orphanet 140162, MedGen C0027672, MeSH D009386, MONDO:0015356.

Submissions (6):

GeneDx
Classification: Pathogenic. Last evaluated: 2025-08-12. Review status: criteria provided, single submitter. Criteria: GeneDx Variant Classification Process June 2021. Collection method: clinical testing. Allele origin: germline. Affected: yes.
Comment: Nonsense variant predicted to result in protein truncation or nonsense mediated decay in a gene for which loss of function is a known mechanism of disease; Truncating variants in this gene are considered pathogenic by a well-established clinical consortium and/or database; Not observed at significant frequency in large population cohorts (gnomAD); Has not been previously published as pathogenic or benign to our knowledge

Quest Diagnostics Nichols Institute San Juan Capistrano
Classification: Likely pathogenic. Last evaluated: 2025-01-10. Review status: criteria provided, single submitter. Criteria: Quest Diagnostics criteria. Collection method: clinical testing. Allele origin: unknown.
Comment: The PALB2 c.1288C>T (p.Gln430*) variant is predicted to cause the premature termination of PALB2 protein synthesis. This variant has not been reported in individuals with PALB2-related conditions in the published literature. This variant has not been reported in large, multi-ethnic general populations (Genome Aggregation Database). Based on the available information, this variant is classified as likely pathogenic.

Ambry Genetics
Classification: Pathogenic for Hereditary cancer-predisposing syndrome. Last evaluated: 2023-05-30. Review status: criteria provided, single submitter. Criteria: Ambry Variant Classification Scheme 2023. Collection method: clinical testing. Allele origin: germline.
Comment: The p.Q430* pathogenic mutation (also known as c.1288C>T), located in coding exon 4 of the PALB2 gene, results from a C to T substitution at nucleotide position 1288. This changes the amino acid from a glutamine to a stop codon within coding exon 4. This alteration is expected to result in loss of function by premature protein truncation or nonsense-mediated mRNA decay. As such, this alteration is interpreted as a disease-causing mutation.

Myriad Genetics, Inc.
Classification: Pathogenic for Familial cancer of breast. Last evaluated: 2023-03-30. Review status: criteria provided, single submitter. Criteria: Myriad Autosomal Dominant, Autosomal Recessive and X-Linked Classification Criteria (2023). Collection method: clinical testing. Allele origin: unknown.
Comment: This variant is considered pathogenic. This variant creates a termination codon and is predicted to result in premature protein truncation.

Labcorp Genetics (formerly Invitae), Labcorp
Classification: Pathogenic for Familial cancer of breast. Last evaluated: 2020-10-27. Review status: criteria provided, single submitter. Criteria: Invitae Variant Classification Sherloc (09022015). Collection method: clinical testing. Allele origin: germline.
Comment: This variant is not present in population databases (ExAC no frequency). This sequence change creates a premature translational stop signal (p.Gln430*) in the PALB2 gene. It is expected to result in an absent or disrupted protein product. Loss-of-function variants in PALB2 are known to be pathogenic (PMID: 17200668, 24136930, 25099575). This variant has not been reported in the literature in individuals with PALB2-related conditions. ClinVar contains an entry for this variant (Variation ID: 546012). For these reasons, this variant has been classified as Pathogenic.

Counsyl
Classification: Likely pathogenic for Familial cancer of breast. Last evaluated: 2018-01-17. Review status: no assertion criteria provided. Collection method: clinical testing. Allele origin: unknown. Not counted in ClinVar's aggregate classification.

Literature cited by the submitters: PubMed 37461096 (cited by Quest Diagnostics Nichols Institute San Juan Capistrano); PubMed 17200668 (cited by Labcorp Genetics (formerly Invitae), Labcorp); PubMed 24136930 (cited by Labcorp Genetics (formerly Invitae), Labcorp); PubMed 25099575 (cited by Labcorp Genetics (formerly Invitae), Labcorp).

NM_024675.4(PALB2):c.1288C>T (p.Gln430Ter)

Gene: PALB2 (partner and localizer of BRCA2; minus strand). Cytogenetic location: 16p12.2.
Variant type: single nucleotide variant.
Coding change: c.1288C>T on transcript NM_024675.4 (MANE Select); coding-DNA position 1288, C replaced by T.
Protein change: p.Gln430Ter; replaces glutamine 430 with a stop codon.
Molecular consequence: nonsense.
Genome position (GRCh38, 1-based): chr16:23,635,258, G>A on the plus strand (C>T on the coding strand, the complement: PALB2 is on the minus strand). VCF-style: chr16-23635258-G-A. GRCh37 (hg19) VCF-style: chr16-23646579-G-A.
Other names: short protein forms Q430*.
Identifiers: ClinVar variation 546012 (VCV000546012.20), dbSNP rs1555461358, ClinGen allele CA395132531.